The following is an entry in ClinVar:

ClinVar aggregate classification (germline): Pathogenic/Likely pathogenic. Review status: criteria provided, multiple submitters, no conflicts (2 of 4 stars). 2 submissions from 2 submitters: Pathogenic (1); Likely pathogenic (1). Last evaluated 2022-10-28.

Conditions:
Marfan syndrome (MFS). Also called: Marfan syndrome, classic; Marfan syndrome type 1; Marfan's syndrome; MARFAN SYNDROME, TYPE I; FBN1-Related Marfan Syndrome. Identifiers: Orphanet 284963, Orphanet 558, MedGen C0024796, MONDO:0007947, OMIM 154700.
Familial thoracic aortic aneurysm and aortic dissection (TAAD). Also called: Thoracic aortic aneurysms and dissections. Identifiers: Orphanet 91387, MedGen C4707243, MONDO:0019625.

Submissions (2):

Labcorp Genetics (formerly Invitae), Labcorp
Classification: Pathogenic for Marfan syndrome; Familial thoracic aortic aneurysm and aortic dissection. Last evaluated: 2022-10-28. Review status: criteria provided, single submitter. Criteria: Invitae Variant Classification Sherloc (09022015). Collection method: clinical testing. Allele origin: germline.
Comment: For these reasons, this variant has been classified as Pathogenic. Algorithms developed to predict the effect of sequence changes on RNA splicing suggest that this variant may disrupt the consensus splice site. ClinVar contains an entry for this variant (Variation ID: 384222). Disruption of this splice site has been observed in individual(s) with clinical features of Marfan syndrome (PMID: 26787436, 31730815; Invitae). In at least one individual the variant was observed to be de novo. This variant is not present in population databases (gnomAD no frequency). This sequence change affects a donor splice site in intron 17 of the FBN1 gene. It is expected to disrupt RNA splicing. Variants that disrupt the donor or acceptor splice site typically lead to a loss of protein function (PMID: 16199547), and loss-of-function variants in FBN1 are known to be pathogenic (PMID: 17657824, 19293843).

GeneDx
Classification: Likely pathogenic. Last evaluated: 2016-02-29. Review status: criteria provided, single submitter. Criteria: GeneDx Variant Classification (06012015). Collection method: clinical testing. Allele origin: germline. Affected: yes.
Comment: Although the c.2113+2 T>G variant has not been reported as a pathogenic variant or as a benign variant to our knowledge, it destroys the canonical splice donor site in intron 17 and is predicted to cause abnormal gene splicing. This variant is predicted to lead to either an abnormal message that is subject to nonsense-mediated mRNA decay, or to an abnormal protein product if the message is used for protein translation. Other splice site variants in the FBN1 gene have been reported in HGMD in association with Marfan syndrome (Stenson et al., 2014). Furthermore, the c.2113+2 T>G variant was not observed in approximately 6,500 individuals of European and African American ancestry in the NHLBI Exome Sequencing Project, indicating it is not a common benign variant in these populations.

Literature cited by the submitters: PubMed 26787436 (cited by Labcorp Genetics (formerly Invitae), Labcorp); PubMed 31730815 (cited by Labcorp Genetics (formerly Invitae), Labcorp); PubMed 16199547 (cited by Labcorp Genetics (formerly Invitae), Labcorp); PubMed 17657824 (cited by Labcorp Genetics (formerly Invitae), Labcorp); PubMed 19293843 (cited by Labcorp Genetics (formerly Invitae), Labcorp).

NM_000138.5(FBN1):c.2113+2T>G

Gene: FBN1 (fibrillin 1; minus strand). Cytogenetic location: 15q21.1.
Variant type: single nucleotide variant.
Coding change: c.2113+2T>G on transcript NM_000138.5 (MANE Select); the canonical splice donor site of the intron after coding-DNA position 2113, T replaced by G.
Molecular consequence: splice donor variant.
Genome position (GRCh38, 1-based): chr15:48,503,785, A>C on the plus strand (T>G on the coding strand, the complement: FBN1 is on the minus strand). VCF-style: chr15-48503785-A-C. GRCh37 (hg19) VCF-style: chr15-48795982-A-C.
Other names: c.2113+2T>G (NM_001406716.1).
Identifiers: ClinVar variation 384222 (VCV000384222.8), dbSNP rs730880105, ClinGen allele CA16606975.